The following is an entry in ClinVar:

ClinVar aggregate classification (germline): Uncertain significance (1 of 4 stars; one submission).

Submission:

GeneDx
Classification: Uncertain significance. Last evaluated: 2024-03-29. Review status: criteria provided, single submitter. Criteria: GeneDx Variant Classification Process June 2021. Collection method: clinical testing. Allele origin: germline. Affected: yes.
Comment: Not observed at significant frequency in large population cohorts (gnomAD); In silico analysis supports that this missense variant has a deleterious effect on protein structure/function; Has not been previously published as pathogenic or benign to our knowledge

NM_001378328.1(CELSR1):c.7512C>G (p.His2504Gln)

Genes: CELSR1 (cadherin EGF LAG seven-pass G-type receptor 1; minus strand), LOC121627952 (CDK7 strongly-dependent group 2 enhancer GRCh37_chr22:46772879-46774078; plus strand). Cytogenetic location: 22q13.31.
Variant type: single nucleotide variant.
Coding change: c.7512C>G on transcript NM_001378328.1 (MANE Select); coding-DNA position 7512, C replaced by G.
Protein change: p.His2504Gln; replaces histidine 2504 with glutamine.
Molecular consequence: missense variant.
Genome position (GRCh38, 1-based): chr22:46,377,133, G>C on the plus strand (C>G on the coding strand, the complement: CELSR1 is on the minus strand). VCF-style: chr22-46377133-G-C. GRCh37 (hg19) VCF-style: chr22-46773030-G-C.
Other names: c.7512C>G, p.His2504Gln (NM_014246.4); short protein forms H2504Q.
Identifiers: ClinVar variation 3371711 (VCV003371711.1).
Genomic context (GRCh38, chr22:46,377,133, plus strand): 5'-CTGGTTGATCCCAATCACGAACACCAGCTGAGAGAGGAAGAGCGCCACGGCGAGGTGCTT[G>C]TGAATGCTGTGCAGGTTGGAGCGCAGCATGCGGACCAGGCTCAGGAGGACGAAGGCCACC-3'
Protein context (NP_001365257.1, residues 2494-2514): RMLRSNLHSI[His2504Gln]KHLAVALFLS